The following is an entry in ClinVar:

ClinVar aggregate classification (germline): Uncertain significance (1 of 4 stars; one submission).

Conditions:
Renal tubular acidosis, distal, 3, with or without sensorineural hearing loss (DRTA3). Identifiers: MedGen C5399980, MONDO:0011268, OMIM 602722.

Allele frequency attached by ClinVar (database versions not stated): ExAC 0.00002; TOPMed 0.00002.
gnomAD v4.1: 12 of 1,613,608 alleles (0.00074%); highest among the groups gnomAD compares: Admixed American, 0.0017%; no homozygotes.

Submission:

Neuberg Centre For Genomic Medicine, NCGM
Classification: Uncertain significance for Renal tubular acidosis, distal, 3, with or without sensorineural hearing loss. Review status: criteria provided, single submitter. Criteria: ACMG Guidelines, 2015. Collection method: clinical testing. Allele origin: germline. Inheritance: Autosomal recessive inheritance. Affected: yes.
Comment: The c.1613C>T (p.Ser538Leu) missense variant in ATP6V0A4 gene has not been reported previously as a pathogenic variant nor as a benign variant, to our knowledge. This variant is reported with the allele frequency (0.0007%) in the gnomad and novel in 1000 genome database. The amino acid Ser at position 538 is changed to a Leu changing protein sequence and it might alter its composition and physico-chemical properties. The amino acid change p.Ser538Leu in ATP6V0A4 is predicted as conserved by GERP++ and PhyloP across 100 vertebrates. For these reasons, this variant has been classified as Variant of Uncertain Significance (VUS).

NM_020632.3(ATP6V0A4):c.1613C>T (p.Ser538Leu)

Gene: ATP6V0A4 (ATPase H+ transporting V0 subunit a4; minus strand). Cytogenetic location: 7q34.
Variant type: single nucleotide variant.
Coding change: c.1613C>T on transcript NM_020632.3 (MANE Select); coding-DNA position 1613, C replaced by T.
Protein change: p.Ser538Leu; replaces serine 538 with leucine.
Molecular consequence: missense variant.
Genome position (GRCh38, 1-based): chr7:138,734,214, G>A on the plus strand (C>T on the coding strand, the complement: ATP6V0A4 is on the minus strand). VCF-style: chr7-138734214-G-A. GRCh37 (hg19) VCF-style: chr7-138418959-G-A.
Other names: c.1613C>T, p.Ser538Leu (NM_130840.3, NM_130841.3); short protein forms S538L.
Identifiers: ClinVar variation 2585556 (VCV002585556.1), dbSNP rs771776708, ClinGen allele CA4504701.